The following is an entry in ClinVar:

ClinVar aggregate classification (germline): Uncertain significance (1 of 4 stars; one submission).

Conditions:
Juvenile polyposis syndrome (JPS). Identifiers: Orphanet 2929, MedGen C0345893, MONDO:0017380, OMIM 174900.

Submission:

Labcorp Genetics (formerly Invitae), Labcorp
Classification: Uncertain significance for Juvenile polyposis syndrome. Last evaluated: 2023-12-26. Review status: criteria provided, single submitter. Criteria: Invitae Variant Classification Sherloc (09022015). Collection method: clinical testing. Allele origin: germline.
Comment: This sequence change replaces threonine, which is neutral and polar, with isoleucine, which is neutral and non-polar, at codon 373 of the SMAD4 protein (p.Thr373Ile). This variant is not present in population databases (gnomAD no frequency). This variant has not been reported in the literature in individuals affected with SMAD4-related conditions. Advanced modeling of protein sequence and biophysical properties (such as structural, functional, and spatial information, amino acid conservation, physicochemical variation, residue mobility, and thermodynamic stability) has been performed at Invitae for this missense variant, however the output from this modeling did not meet the statistical confidence thresholds required to predict the impact of this variant on SMAD4 protein function. In summary, the available evidence is currently insufficient to determine the role of this variant in disease. Therefore, it has been classified as a Variant of Uncertain Significance.

NM_005359.6(SMAD4):c.1118C>T (p.Thr373Ile)

Gene: SMAD4 (SMAD family member 4; plus strand). Cytogenetic location: 18q21.2.
Variant type: single nucleotide variant.
Coding change: c.1118C>T on transcript NM_005359.6 (MANE Select); coding-DNA position 1118, C replaced by T.
Protein change: p.Thr373Ile; replaces threonine 373 with isoleucine.
Molecular consequence: missense variant. On other transcripts: non-coding transcript variant (2).
Genome position (GRCh38, 1-based): chr18:51,065,585, C>T. VCF-style: chr18-51065585-C-T. GRCh37 (hg19) VCF-style: chr18-48591955-C-T.
Other names: c.1118C>T, p.Thr373Ile (NM_001407042.1, NM_001407043.1, NM_001407041.1); short protein forms T373I.
Identifiers: ClinVar variation 2954585 (VCV002954585.3), dbSNP rs1599195569, ClinGen allele CA402464535.